The following is an entry in ClinVar:

NM_021072.4(HCN1):c.2459C>T (p.Thr820Met)

Gene: HCN1 (hyperpolarization activated cyclic nucleotide gated potassium channel 1; minus strand). Cytogenetic location: 5p12.
Variant type: single nucleotide variant.
Coding change: c.2459C>T on transcript NM_021072.4 (MANE Select); coding-DNA position 2459, C replaced by T.
Protein change: p.Thr820Met; replaces threonine 820 with methionine.
Molecular consequence: missense variant.
Genome position (GRCh38, 1-based): chr5:45,262,135, G>A on the plus strand (C>T on the coding strand, the complement: HCN1 is on the minus strand). VCF-style: chr5-45262135-G-A. GRCh37 (hg19) VCF-style: chr5-45262237-G-A.
Other names: short protein forms T820M.
Identifiers: ClinVar variation 3367768 (VCV003367768.1).

ClinVar aggregate classification (germline): Uncertain significance (1 of 4 stars; one submission).

gnomAD v4.1: 1 of 1,613,372 alleles (0.000062%); highest among the groups gnomAD compares: South Asian, 0.0011%; no homozygotes.

Submission:

GeneDx
Classification: Uncertain significance. Last evaluated: 2024-01-21. Review status: criteria provided, single submitter. Criteria: GeneDx Variant Classification Process June 2021. Collection method: clinical testing. Allele origin: germline. Affected: yes.
Comment: Has not been previously published as pathogenic or benign to our knowledge; Not observed at significant frequency in large population cohorts (gnomAD); In silico analysis supports that this missense variant does not alter protein structure/function